The following is an entry in ClinVar:

ClinVar aggregate classification (germline): Uncertain significance. Review status: criteria provided, multiple submitters, no conflicts (2 of 4 stars). 3 submissions from 3 submitters: Uncertain significance (2). 1 of the submissions does not count toward it. Last evaluated 2025-03-03.

Conditions:
Inborn genetic diseases. Identifiers: MedGen C0950123, MeSH D030342.
Glycogen storage disease type III (GSD3). Also called: Cori disease; FORBES DISEASE. Identifiers: Orphanet 366, MedGen C0017922, MONDO:0009291, OMIM 232400.

Allele frequency attached by ClinVar (database versions not stated): TOPMed below 0.00001; ExAC 0.00002.
gnomAD v4.1: 10 of 1,613,568 alleles (0.00062%); highest among the groups gnomAD compares: East Asian, 0.016%; no homozygotes.

Submissions (3):

Ambry Genetics
Classification: Uncertain significance for Inborn genetic diseases. Last evaluated: 2025-03-03. Review status: criteria provided, single submitter. Criteria: Ambry Variant Classification Scheme 2023. Collection method: clinical testing. Allele origin: germline.

Labcorp Genetics (formerly Invitae), Labcorp
Classification: Uncertain significance for Glycogen storage disease type III. Last evaluated: 2022-07-19. Review status: criteria provided, single submitter. Criteria: Invitae Variant Classification Sherloc (09022015). Collection method: clinical testing. Allele origin: germline.
Comment: This sequence change replaces leucine, which is neutral and non-polar, with valine, which is neutral and non-polar, at codon 1056 of the AGL protein (p.Leu1056Val). This variant is present in population databases (rs774124715, gnomAD 0.04%). This variant has not been reported in the literature in individuals affected with AGL-related conditions. ClinVar contains an entry for this variant (Variation ID: 581232). Algorithms developed to predict the effect of missense changes on protein structure and function are either unavailable or do not agree on the potential impact of this missense change (SIFT: "Deleterious"; PolyPhen-2: "Possibly Damaging"; Align-GVGD: "Class C0"). In summary, the available evidence is currently insufficient to determine the role of this variant in disease. Therefore, it has been classified as a Variant of Uncertain Significance.

Natera, Inc.
Classification: Uncertain significance for Glycogen storage disease type III. Last evaluated: 2019-10-28. Review status: no assertion criteria provided. Collection method: clinical testing. Allele origin: germline. Not counted in ClinVar's aggregate classification.

NM_000642.3(AGL):c.3166C>G (p.Leu1056Val)

Gene: AGL (amylo-alpha-1,6-glucosidase and 4-alpha-glucanotransferase; plus strand). Cytogenetic location: 1p21.2.
Variant type: single nucleotide variant.
Coding change: c.3166C>G on transcript NM_000642.3 (MANE Select); coding-DNA position 3166, C replaced by G.
Protein change: p.Leu1056Val; replaces leucine 1056 with valine.
Molecular consequence: missense variant.
Genome position (GRCh38, 1-based): chr1:99,892,514, C>G. VCF-style: chr1-99892514-C-G. GRCh37 (hg19) VCF-style: chr1-100358070-C-G.
Other names: c.3166C>G, p.Leu1056Val (NM_000028.3, NM_000643.3, NM_000644.3 and 1 more transcripts); c.3118C>G, p.Leu1040Val (NM_000646.3); c.3145C>G, p.Leu1049Val (NM_001425326.1); c.2965C>G, p.Leu989Val (NM_001425327.1); c.2962C>G, p.Leu988Val (NM_001425328.1); c.2827C>G, p.Leu943Val (NM_001425329.1); c.2788C>G, p.Leu930Val (NM_001425332.1); short protein forms L1056V, L1040V, L1049V, L930V, L943V, L988V, L989V.
Identifiers: ClinVar variation 581232 (VCV000581232.8), dbSNP rs774124715, ClinGen allele CA966993.
Genomic context (GRCh38, chr1:99,892,514, plus strand): 5'-TTTGTGAAACACCTTTCATTGGGTTCAGTTCAACTGTGTGGAGTAGGAAAATTCCCTTCC[C>G]TGCCAATTCTTTCACCTGCCCTAATGGATGTACCTTATAGGTTAAATGAGATCACAAAAG-3'
Protein context (NP_000633.2, residues 1046-1066): QLCGVGKFPS[Leu1056Val]PILSPALMDV